The following is an entry in ClinVar:

ClinVar aggregate classification (germline): Uncertain significance. Review status: criteria provided, multiple submitters, no conflicts (2 of 4 stars). 2 submissions from 2 submitters: Uncertain significance (2). Last evaluated 2024-09-14.

Conditions:
Adams-Oliver syndrome 5 (AOS5). Identifiers: Orphanet 974, MedGen C4014970, MONDO:0014459, OMIM 616028.

Submissions (2):

Labcorp Genetics (formerly Invitae), Labcorp
Classification: Uncertain significance for Adams-Oliver syndrome 5. Last evaluated: 2024-09-14. Review status: criteria provided, single submitter. Criteria: Invitae Variant Classification Sherloc (09022015). Collection method: clinical testing. Allele origin: germline.
Comment: This sequence change replaces asparagine, which is neutral and polar, with lysine, which is basic and polar, at codon 1241 of the NOTCH1 protein (p.Asn1241Lys). This variant is not present in population databases (gnomAD no frequency). This variant has not been reported in the literature in individuals affected with NOTCH1-related conditions. Invitae Evidence Modeling of protein sequence and biophysical properties (such as structural, functional, and spatial information, amino acid conservation, physicochemical variation, residue mobility, and thermodynamic stability) indicates that this missense variant is not expected to disrupt NOTCH1 protein function with a negative predictive value of 80%. In summary, the available evidence is currently insufficient to determine the role of this variant in disease. Therefore, it has been classified as a Variant of Uncertain Significance.

GeneDx
Classification: Uncertain significance. Last evaluated: 2024-05-28. Review status: criteria provided, single submitter. Criteria: GeneDx Variant Classification Process June 2021. Collection method: clinical testing. Allele origin: germline. Affected: yes.
Comment: Not observed at significant frequency in large population cohorts (gnomAD); In silico analysis supports that this missense variant has a deleterious effect on protein structure/function; Has not been previously published as pathogenic or benign to our knowledge

NM_017617.5(NOTCH1):c.3723C>G (p.Asn1241Lys)

Gene: NOTCH1 (notch receptor 1; minus strand). Cytogenetic location: 9q34.3.
Variant type: single nucleotide variant.
Coding change: c.3723C>G on transcript NM_017617.5 (MANE Select); coding-DNA position 3723, C replaced by G.
Protein change: p.Asn1241Lys; replaces asparagine 1241 with lysine.
Molecular consequence: missense variant.
Genome position (GRCh38, 1-based): chr9:136,506,894, G>C on the plus strand (C>G on the coding strand, the complement: NOTCH1 is on the minus strand). VCF-style: chr9-136506894-G-C. GRCh37 (hg19) VCF-style: chr9-139401346-G-C.
Other names: short protein forms N1241K.
Identifiers: ClinVar variation 3383619 (VCV003383619.3).